The following is an entry in ClinVar:

ClinVar aggregate classification (germline): Pathogenic (1 of 4 stars; one submission).

Conditions:
Arrhythmogenic cardiomyopathy with wooly hair and keratoderma. Also called: Dilated cardiomyopathy with woolly hair and keratoderma; PALMOPLANTAR KERATODERMA WITH LEFT VENTRICULAR CARDIOMYOPATHY AND WOOLLY HAIR; Carvajal syndrome; Arrhythmogenic cardiomyopathy with woolly hair and keratoderma. Identifiers: Orphanet 65282, MedGen C1854063, MONDO:0011581, OMIM 605676.
Arrhythmogenic right ventricular dysplasia 8 (ARVD8). Also called: Arrhythmogenic Right Ventricular Dysplasia/Cardiomyopathy 8; ARRHYTHMOGENIC RIGHT VENTRICULAR DYSPLASIA, FAMILIAL, 8; ARRHYTHMOGENIC RIGHT VENTRICULAR CARDIOMYOPATHY 8. Identifiers: MedGen C1843896, MONDO:0011831, OMIM 607450.

Submission:

Labcorp Genetics (formerly Invitae), Labcorp
Classification: Pathogenic for Arrhythmogenic cardiomyopathy with wooly hair and keratoderma; Arrhythmogenic right ventricular dysplasia 8. Last evaluated: 2023-05-01. Review status: criteria provided, single submitter. Criteria: Invitae Variant Classification Sherloc (09022015). Collection method: clinical testing. Allele origin: germline.
Comment: This variant is not present in population databases (gnomAD no frequency). This sequence change creates a premature translational stop signal (p.Val508Glyfs*19) in the DSP gene. It is expected to result in an absent or disrupted protein product. Loss-of-function variants in DSP are known to be pathogenic (PMID: 20716751, 24503780, 25227139). This variant has not been reported in the literature in individuals affected with DSP-related conditions. For these reasons, this variant has been classified as Pathogenic.

Literature cited by the submitters: PubMed 20716751; PubMed 24503780; PubMed 25227139.

NM_004415.4(DSP):c.1523_1524del (p.Val508fs)

Gene: DSP (desmoplakin; plus strand). Cytogenetic location: 6p24.3.
Variant type: Microsatellite.
Coding change: c.1523_1524del on transcript NM_004415.4 (MANE Select); coding-DNA positions 1523 to 1524, 2 bases deleted (TG; older notation c.1523_1524delTG).
Protein change: p.Val508fs; shifts the reading frame from valine 508.
Molecular consequence: frameshift variant.
Genome position (GRCh38, 1-based): chr6:7,569,289-7,569,290, TG deleted; deleting any 2 consecutive bases within chr6:7,569,287-7,569,290 gives the same sequence; the c. name uses the placement nearest the transcript's 3' end. VCF-style (leftmost placement, unchanged base first): chr6-7569286-CTG-C. GRCh37 (hg19) VCF-style: chr6-7569519-CTG-C.
Other names: c.1523_1524del, p.Val508fs (NM_001008844.3, NM_001319034.2); short protein forms V508fs.
Identifiers: ClinVar variation 2946998 (VCV002946998.3), dbSNP rs2533887412, ClinGen allele CA2740094256.
Genomic context (GRCh38, chr6:7,569,286, plus strand): 5'-ACAACGAGCGCAGCAAGTGGTACGTGACGGGCCCGGGAGGCGTTGACATGCTTGTTCCCT[CTG>C]TGGGGCTGATCATCCCTCCTCCGAACCCACTGGCCGTGGACCTCTCTTGCAAGTAAGTCA-3'